The following is an entry in ClinVar:

ClinVar aggregate classification (germline): Pathogenic/Likely pathogenic. Review status: criteria provided, multiple submitters, no conflicts (2 of 4 stars). 3 submissions from 3 submitters: Pathogenic (1); Likely pathogenic (2). Last evaluated 2025-11-20.

Conditions:
Achromatopsia 2 (ACHM2). Also called: COLORBLINDNESS, TOTAL; ROD MONOCHROMACY 2; ROD MONOCHROMATISM 2. Identifiers: Orphanet 49382, MedGen C1857618, MONDO:0009003, OMIM 216900.
CNGA3-related disorders.

Allele frequency attached by ClinVar (database versions not stated): gnomAD exomes below 0.00001.
gnomAD v4.1: 2 of 1,614,134 alleles (0.00012%); highest among the groups gnomAD compares: Non-Finnish European, 0.00017%; no homozygotes.

Submissions (3):

Women's Health and Genetics/Laboratory Corporation of America, LabCorp
Classification: Likely pathogenic for Achromatopsia 2. Last evaluated: 2025-11-20. Review status: criteria provided, single submitter. Criteria: LabCorp Variant Classification Summary - May 2015. Collection method: clinical testing. Allele origin: germline.
Comment: Variant summary: CNGA3 c.1565T>C (p.Ile522Thr) results in a non-conservative amino acid change in the encoded protein sequence. Algorithms developed to predict the effect of missense changes on protein structure and function all suggest that this variant is likely to be disruptive. The variant was absent in 250958 control chromosomes. c.1565T>C has been observed in the presumed compound heterozygous state in at least 2 individual(s) affected with Achromatopsia 2 (example, Wissinger_2001, Solaki_2022). These data indicate that the variant may be associated with disease. At least one publication reports experimental evidence evaluating an impact on protein function. The most pronounced variant effect results in undetectable channel activity in vitro (example, Muraki-Oda_2007). ClinVar contains an entry for this variant (Variation ID: 1432595). Based on the evidence outlined above, the variant was classified as likely pathogenic.

Labcorp Genetics (formerly Invitae), Labcorp
Classification: Pathogenic. Last evaluated: 2024-05-20. Review status: criteria provided, single submitter. Criteria: Invitae Variant Classification Sherloc (09022015). Collection method: clinical testing. Allele origin: germline.
Comment: This sequence change replaces isoleucine, which is neutral and non-polar, with threonine, which is neutral and polar, at codon 522 of the CNGA3 protein (p.Ile522Thr). This variant is not present in population databases (gnomAD no frequency). This missense change has been observed in individuals with achromatopsia (PMID: 11536077, 35332618). ClinVar contains an entry for this variant (Variation ID: 1432595). Advanced modeling of protein sequence and biophysical properties (such as structural, functional, and spatial information, amino acid conservation, physicochemical variation, residue mobility, and thermodynamic stability) performed at Invitae indicates that this missense variant is expected to disrupt CNGA3 protein function with a positive predictive value of 95%. Experimental studies have shown that this missense change affects CNGA3 function (PMID: 17693388, 18445228). For these reasons, this variant has been classified as Pathogenic.

Blueprint Genetics
Classification: Likely pathogenic for CNGA3-related disorders. Last evaluated: 2019-02-22. Review status: criteria provided, single submitter. Criteria: ACMG Guidelines, 2015. Collection method: clinical testing. Allele origin: germline. Affected: yes. Observed: 2 variant alleles.

Literature cited by the submitters: PubMed 22334370 (cited by Women's Health and Genetics/Laboratory Corporation of America, LabCorp); PubMed 17693388 (cited by Women's Health and Genetics/Laboratory Corporation of America, LabCorp and Labcorp Genetics (formerly Invitae), Labcorp); PubMed 11536077 (cited by Women's Health and Genetics/Laboratory Corporation of America, LabCorp and Labcorp Genetics (formerly Invitae), Labcorp); PubMed 19592100 (cited by Women's Health and Genetics/Laboratory Corporation of America, LabCorp); PubMed 32913385 (cited by Women's Health and Genetics/Laboratory Corporation of America, LabCorp); PubMed 18521937 (cited by Women's Health and Genetics/Laboratory Corporation of America, LabCorp); PubMed 35332618 (cited by Women's Health and Genetics/Laboratory Corporation of America, LabCorp and Labcorp Genetics (formerly Invitae), Labcorp); PubMed 18445228 (cited by Women's Health and Genetics/Laboratory Corporation of America, LabCorp and Labcorp Genetics (formerly Invitae), Labcorp); PubMed 23362848 (cited by Women's Health and Genetics/Laboratory Corporation of America, LabCorp); PubMed 12187427 (cited by Women's Health and Genetics/Laboratory Corporation of America, LabCorp); PubMed 28282490 (cited by Women's Health and Genetics/Laboratory Corporation of America, LabCorp); PubMed 12087135 (cited by Women's Health and Genetics/Laboratory Corporation of America, LabCorp); PubMed 25474149 (cited by Women's Health and Genetics/Laboratory Corporation of America, LabCorp); PubMed 12876837 (cited by Women's Health and Genetics/Laboratory Corporation of America, LabCorp); PubMed 26407004 (cited by Women's Health and Genetics/Laboratory Corporation of America, LabCorp).

NM_001298.3(CNGA3):c.1565T>C (p.Ile522Thr)

Gene: CNGA3 (cyclic nucleotide gated channel subunit alpha 3; plus strand). Cytogenetic location: 2q11.2.
Variant type: single nucleotide variant.
Coding change: c.1565T>C on transcript NM_001298.3 (MANE Select); coding-DNA position 1565, T replaced by C.
Protein change: p.Ile522Thr; replaces isoleucine 522 with threonine.
Molecular consequence: missense variant.
Genome position (GRCh38, 1-based): chr2:98,396,735, T>C. VCF-style: chr2-98396735-T-C. GRCh37 (hg19) VCF-style: chr2-99013198-T-C.
Other names: c.1511T>C, p.Ile504Thr (NM_001079878.2); short protein forms I504T, I522T.
Identifiers: ClinVar variation 1432595 (VCV001432595.7), dbSNP rs2104249119, ClinGen allele CA347833823.